The following is an entry in ClinVar:

NM_004972.4(JAK2):c.1337T>G (p.Val446Gly)

Genes: INSL6 (insulin like 6; minus strand), JAK2 (Janus kinase 2; plus strand). Cytogenetic location: 9p24.1.
Variant type: single nucleotide variant.
Coding change: c.1337T>G on transcript NM_004972.4 (MANE Select); coding-DNA position 1337, T replaced by G.
Protein change: p.Val446Gly; replaces valine 446 with glycine.
Molecular consequence: missense variant. On other transcripts: non-coding transcript variant (2).
Genome position (GRCh38, 1-based): chr9:5,069,032, T>G. VCF-style: chr9-5069032-T-G. GRCh37 (hg19) VCF-style: chr9-5069032-T-G.
Other names: c.1337T>G, p.Val446Gly (NM_001322194.2, NM_001322195.2, NM_001322196.2); c.122T>G, p.Val41Gly (NM_001322198.2, NM_001322199.2); c.890T>G, p.Val297Gly (NM_001322204.2); short protein forms V297G, V41G, V446G.
Identifiers: ClinVar variation 2659043 (VCV002659043.24), dbSNP rs764362884, ClinGen allele CA372824778.
Genomic context (GRCh38, chr9:5,069,032, plus strand): 5'-GATGTCCATTGTGACTATCCCTCCCTTTCTTTATAATTAAACTTATACAGCGAGAAAATG[T>G]CATTGAATATAAACACTGTTTGATTACAAAAAATGAGAATGAAGAGTACAACCTCAGTGG-3'
Protein context (NP_004963.1, residues 436-456): FLTFAVEREN[Val446Gly]IEYKHCLITK

ClinVar aggregate classification (germline): Uncertain significance. Review status: criteria provided, single submitter (1 of 4 stars). 2 submissions from 2 submitters: Uncertain significance (1). 1 of the submissions does not count toward it. Last evaluated 2022-12-01.

Conditions:
JAK2-related disorder. Also called: JAK2-related condition.

Allele frequency attached by ClinVar (database versions not stated): gnomAD exomes below 0.00001; TOPMed below 0.00001; gnomAD 0.00001.
gnomAD v4.1: 8 of 1,576,752 alleles (0.00051%); highest among the groups gnomAD compares: Non-Finnish European, 0.0006%; no homozygotes.

Submissions (2):

CeGaT Center for Human Genetics Tuebingen
Classification: Uncertain significance. Last evaluated: 2022-12-01. Review status: criteria provided, single submitter. Criteria: CeGaT Center For Human Genetics Tuebingen Variant Classification Criteria Version 2. Collection method: clinical testing. Allele origin: germline. Affected: yes. Observed: 1 variant allele.
Comment: JAK2: PM2, BP4

PreventionGenetics, part of Exact Sciences
Classification: Uncertain significance for JAK2-related condition. Last evaluated: 2024-09-05. Review status: no assertion criteria provided. Collection method: clinical testing. Allele origin: germline. Not counted in ClinVar's aggregate classification.
Comment: The JAK2 c.1337T>G variant is predicted to result in the amino acid substitution p.Val446Gly. To our knowledge, this variant has not been reported in the literature or in a large population database, indicating this variant is rare. At this time, the clinical significance of this variant is uncertain due to the absence of conclusive functional and genetic evidence.